The following is an entry in ClinVar:

ClinVar aggregate classification (germline): Uncertain significance (1 of 4 stars; one submission).

Conditions:
Hereditary cancer-predisposing syndrome. Also called: Neoplastic Syndromes, Hereditary; Tumor predisposition; Hereditary Cancer Syndrome; Hereditary neoplastic syndrome. Identifiers: Orphanet 140162, MedGen C0027672, MeSH D009386, MONDO:0015356.

Submission:

Ambry Genetics
Classification: Uncertain significance for Hereditary cancer-predisposing syndrome. Last evaluated: 2026-06-13. Review status: criteria provided, single submitter. Criteria: Ambry Variant Classification Scheme 2023. Collection method: clinical testing. Allele origin: germline.
Comment: The p.V276M variant (also known as c.826G>A), located in coding exon 8 of the CDC73 gene, results from a G to A substitution at nucleotide position 826. The valine at codon 276 is replaced by methionine, an amino acid with highly similar properties. This amino acid position is conserved. In addition, this alteration is predicted to be tolerated by in silico analysis. Based on the available evidence, the clinical significance of this variant remains unclear.

NM_024529.5(CDC73):c.826G>A (p.Val276Met)

Gene: CDC73 (cell division cycle 73; plus strand). Cytogenetic location: 1q31.2.
Variant type: single nucleotide variant.
Coding change: c.826G>A on transcript NM_024529.5 (MANE Select); coding-DNA position 826, G replaced by A.
Protein change: p.Val276Met; replaces valine 276 with methionine.
Molecular consequence: missense variant.
Genome position (GRCh38, 1-based): chr1:193,147,963, G>A. VCF-style: chr1-193147963-G-A. GRCh37 (hg19) VCF-style: chr1-193117093-G-A.
Other names: short protein forms V276M.
Identifiers: ClinVar variation 4868371 (VCV004868371.1).